The following is an entry in ClinVar:

NM_012123.4(MTO1):c.2006C>T (p.Ser669Leu)

Gene: MTO1 (mitochondrial tRNA translation optimization 1; plus strand). Cytogenetic location: 6q13.
Variant type: single nucleotide variant.
Coding change: c.2006C>T on transcript NM_012123.4 (MANE Select); coding-DNA position 2006, C replaced by T.
Protein change: p.Ser669Leu; replaces serine 669 with leucine.
Molecular consequence: missense variant.
Genome position (GRCh38, 1-based): chr6:73,500,662, C>T. VCF-style: chr6-73500662-C-T. GRCh37 (hg19) VCF-style: chr6-74210385-C-T.
Other names: c.2126C>T, p.Ser709Leu (NM_001123226.2); c.2081C>T, p.Ser694Leu (NM_133645.3); c.2126C>T (NM_001123226.1); short protein forms S669L, S694L, S709L.
Identifiers: ClinVar variation 958454 (VCV000958454.6), dbSNP rs377512595, ClinGen allele CA3889807.

ClinVar aggregate classification (germline): Uncertain significance. Review status: criteria provided, multiple submitters, no conflicts (2 of 4 stars). 2 submissions from 2 submitters: Uncertain significance (2). Last evaluated 2025-02-08.

Conditions:
Mitochondrial hypertrophic cardiomyopathy with lactic acidosis due to MTO1 deficiency. Also called: CARDIOMYOPATHY, INFANTILE HYPERTROPHIC MITOCHONDRIAL, AND LACTIC ACIDOSIS; Combined oxidative phosphorylation deficiency 10. Identifiers: Orphanet 314637, MedGen C4749921, MONDO:0013865, OMIM 614702.
Inborn genetic diseases. Identifiers: MedGen C0950123, MeSH D030342.

Allele frequency attached by ClinVar (database versions not stated): gnomAD exomes 0.00001 and 0.00002; ExAC 0.00002; gnomAD 0.00006 and 0.00008; TOPMed 0.00007; ESP Exome Variant Server 0.00008.
gnomAD v4.1: 26 of 1,613,696 alleles (0.0016%); highest among the groups gnomAD compares: African/African-American, 0.0067%; no homozygotes.

Submissions (2):

Ambry Genetics
Classification: Uncertain significance for Inborn genetic diseases. Last evaluated: 2025-02-08. Review status: criteria provided, single submitter. Criteria: Ambry Variant Classification Scheme 2023. Collection method: clinical testing. Allele origin: germline.

Labcorp Genetics (formerly Invitae), Labcorp
Classification: Uncertain significance for Mitochondrial hypertrophic cardiomyopathy with lactic acidosis due to MTO1 deficiency. Last evaluated: 2022-07-19. Review status: criteria provided, single submitter. Criteria: Invitae Variant Classification Sherloc (09022015). Collection method: clinical testing. Allele origin: germline.
Comment: This sequence change replaces serine, which is neutral and polar, with leucine, which is neutral and non-polar, at codon 669 of the MTO1 protein (p.Ser669Leu). This variant is present in population databases (rs377512595, gnomAD 0.007%). This variant has not been reported in the literature in individuals affected with MTO1-related conditions. ClinVar contains an entry for this variant (Variation ID: 958454). Algorithms developed to predict the effect of missense changes on protein structure and function (SIFT, PolyPhen-2, Align-GVGD) all suggest that this variant is likely to be tolerated. In summary, the available evidence is currently insufficient to determine the role of this variant in disease. Therefore, it has been classified as a Variant of Uncertain Significance.